The following is an entry in ClinVar:

NM_000136.3(FANCC):c.251-2A>G

Gene: FANCC (FA complementation group C; minus strand). Cytogenetic location: 9q22.32.
Variant type: single nucleotide variant.
Coding change: c.251-2A>G on transcript NM_000136.3 (MANE Select); the canonical splice acceptor site of the intron before coding-DNA position 251, A replaced by G.
Molecular consequence: splice acceptor variant.
Genome position (GRCh38, 1-based): chr9:95,240,745, T>C on the plus strand (A>G on the coding strand, the complement: FANCC is on the minus strand). VCF-style: chr9-95240745-T-C. GRCh37 (hg19) VCF-style: chr9-98003027-T-C.
Other names: c.251-2A>G (NM_001243743.2, NM_001243744.2).
Identifiers: ClinVar variation 456159 (VCV000456159.9), dbSNP rs1057517219, ClinGen allele CA374339536.

ClinVar aggregate classification (germline): Pathogenic (1 of 4 stars; one submission).

Conditions:
Fanconi anemia (FA). Also called: Fanconi's anemia. Identifiers: Orphanet 84, MedGen C0015625, MeSH D005199, MONDO:0019391.

Submission:

Labcorp Genetics (formerly Invitae), Labcorp
Classification: Pathogenic for Fanconi anemia. Last evaluated: 2017-10-05. Review status: criteria provided, single submitter. Criteria: Invitae Variant Classification Sherloc (09022015). Collection method: clinical testing. Allele origin: germline.
Comment: This sequence change affects an acceptor splice site in intron 3 of the FANCC gene. It is expected to disrupt RNA splicing and likely results in an absent or disrupted protein product. This variant is not present in population databases (ExAC no frequency). This finding is consistent with autosomal recessive inheritance, and suggests that this variant contributes to disease. Donor and acceptor splice site variants typically lead to a loss of protein function (PMID: 16199547), and loss-of-function variants in FANCC are known to be pathogenic (PMID: 17924555). For these reasons, this variant has been classified as Pathogenic.

Literature cited by the submitters: PubMed 16199547; PubMed 17924555.